The following is an entry in ClinVar:

ClinVar aggregate classification (germline): Uncertain significance. Review status: criteria provided, multiple submitters, no conflicts (2 of 4 stars). 2 submissions from 2 submitters: Uncertain significance (2). Last evaluated 2026-04-12.

Conditions:
POLD1-related polyposis and colorectal cancer syndrome (CRCS10). Also called: Colorectal cancer 10; COLORECTAL CANCER, SUSCEPTIBILITY TO, ON CHROMOSOME 19q; Colorectal cancer, susceptibility to, 10. Identifiers: Orphanet 220460, MedGen C2675481, MONDO:0012953, OMIM 612591.
Hereditary cancer-predisposing syndrome. Also called: Neoplastic Syndromes, Hereditary; Tumor predisposition; Hereditary Cancer Syndrome; Hereditary neoplastic syndrome. Identifiers: Orphanet 140162, MedGen C0027672, MeSH D009386, MONDO:0015356.

Allele frequency attached by ClinVar (database versions not stated): gnomAD exomes below 0.00001.
gnomAD v4.1: 2 of 1,611,120 alleles (0.00012%); highest among the groups gnomAD compares: Non-Finnish European, 0.00017%; no homozygotes.

Submissions (2):

Ambry Genetics
Classification: Uncertain significance for Hereditary cancer-predisposing syndrome. Last evaluated: 2026-04-12. Review status: criteria provided, single submitter. Criteria: Ambry Variant Classification Scheme 2023. Collection method: clinical testing. Allele origin: germline.
Comment: The p.V233M variant (also known as c.697G>A), located in coding exon 5 of the POLD1 gene, results from a G to A substitution at nucleotide position 697. The valine at codon 233 is replaced by methionine, an amino acid with highly similar properties. This amino acid position is conserved. In addition, this alteration is predicted to be tolerated by in silico analysis. Based on the available evidence, the clinical significance of this variant remains unclear.

Labcorp Genetics (formerly Invitae), Labcorp
Classification: Uncertain significance for POLD1-related polyposis and colorectal cancer syndrome. Last evaluated: 2021-03-26. Review status: criteria provided, single submitter. Criteria: Invitae Variant Classification Sherloc (09022015). Collection method: clinical testing. Allele origin: germline.
Comment: This sequence change replaces valine with methionine at codon 233 of the POLD1 protein (p.Val233Met). The valine residue is weakly conserved and there is a small physicochemical difference between valine and methionine. In summary, the available evidence is currently insufficient to determine the role of this variant in disease. Therefore, it has been classified as a Variant of Uncertain Significance. Algorithms developed to predict the effect of missense changes on protein structure and function are either unavailable or do not agree on the potential impact of this missense change (SIFT: "Tolerated"; PolyPhen-2: "Possibly Damaging"; Align-GVGD: "Class C0"). This variant has not been reported in the literature in individuals with POLD1-related conditions. This variant is not present in population databases (ExAC no frequency).

NM_002691.4(POLD1):c.697G>A (p.Val233Met)

Gene: POLD1 (DNA polymerase delta 1, catalytic subunit; plus strand). Cytogenetic location: 19q13.33.
Variant type: single nucleotide variant.
Coding change: c.697G>A on transcript NM_002691.4 (MANE Select); coding-DNA position 697, G replaced by A.
Protein change: p.Val233Met; replaces valine 233 with methionine.
Molecular consequence: missense variant. On other transcripts: non-coding transcript variant (1).
Genome position (GRCh38, 1-based): chr19:50,402,312, G>A. VCF-style: chr19-50402312-G-A. GRCh37 (hg19) VCF-style: chr19-50905569-G-A.
Other names: c.697G>A, p.Val233Met (NM_001256849.1, NM_001308632.1); c.697G>A (NM_002691.2); short protein forms V233M.
Identifiers: ClinVar variation 1490478 (VCV001490478.9), dbSNP rs2122245686, ClinGen allele CA406974398.